The following is an entry in ClinVar:

NM_022089.4(ATP13A2):c.3247G>C (p.Val1083Leu)

Gene: ATP13A2 (ATPase cation transporting 13A2; minus strand). Cytogenetic location: 1p36.13.
Variant type: single nucleotide variant.
Coding change: c.3247G>C on transcript NM_022089.4 (MANE Select); coding-DNA position 3247, G replaced by C.
Protein change: p.Val1083Leu; replaces valine 1083 with leucine.
Molecular consequence: missense variant. On other transcripts: intron variant (1).
Genome position (GRCh38, 1-based): chr1:16,986,621, C>G on the plus strand (G>C on the coding strand, the complement: ATP13A2 is on the minus strand). VCF-style: chr1-16986621-C-G. GRCh37 (hg19) VCF-style: chr1-17313116-C-G.
Other names: c.3232G>C, p.Val1078Leu (NM_001141973.3); c.3103+184G>C (NM_001141974.3); short protein forms V1078L, V1083L.
Identifiers: ClinVar variation 1958709 (VCV001958709.5), dbSNP rs2522716202, ClinGen allele CA338233208.

ClinVar aggregate classification (germline): Uncertain significance (1 of 4 stars; one submission).

Conditions:
Autosomal recessive spastic paraplegia type 78. Identifiers: Orphanet 513436, MedGen C5567893, MONDO:0014975, OMIM 617225.
Kufor-Rakeb syndrome (KRS). Also called: PARKINSON DISEASE 9, AUTOSOMAL RECESSIVE, JUVENILE-ONSET. Identifiers: Orphanet 306674, Orphanet 314632, MedGen C1847640, MONDO:0011706, OMIM 606693.

Submission:

Labcorp Genetics (formerly Invitae), Labcorp
Classification: Uncertain significance for Kufor-Rakeb syndrome; Autosomal recessive spastic paraplegia type 78. Last evaluated: 2024-11-11. Review status: criteria provided, single submitter. Criteria: Invitae Variant Classification Sherloc (09022015). Collection method: clinical testing. Allele origin: germline.
Comment: This sequence change replaces valine, which is neutral and non-polar, with leucine, which is neutral and non-polar, at codon 1083 of the ATP13A2 protein (p.Val1083Leu). This variant is not present in population databases (gnomAD no frequency). This variant has not been reported in the literature in individuals affected with ATP13A2-related conditions. ClinVar contains an entry for this variant (Variation ID: 1958709). Invitae Evidence Modeling of protein sequence and biophysical properties (such as structural, functional, and spatial information, amino acid conservation, physicochemical variation, residue mobility, and thermodynamic stability) indicates that this missense variant is not expected to disrupt ATP13A2 protein function with a negative predictive value of 80%. In summary, the available evidence is currently insufficient to determine the role of this variant in disease. Therefore, it has been classified as a Variant of Uncertain Significance.